The following is an entry in ClinVar:

ClinVar aggregate classification (germline): Uncertain significance (1 of 4 stars; one submission).

Submission:

GeneDx
Classification: Uncertain significance. Last evaluated: 2021-06-27. Review status: criteria provided, single submitter. Criteria: GeneDx Variant Classification Process June 2021. Collection method: clinical testing. Allele origin: germline. Affected: yes.
Comment: Not observed at significant frequency in large population cohorts (Lek et al., 2016); Nonsense variant predicted to result in protein truncation or nonsense mediated decay in a gene for which loss-of-function is not a known mechanism of disease; Has not been previously published as pathogenic or benign to our knowledge; This variant is associated with the following publications: (PMID: 27535533)

NM_001376.5(DYNC1H1):c.4393C>T (p.Gln1465Ter)

Gene: DYNC1H1 (dynein cytoplasmic 1 heavy chain 1; plus strand). Cytogenetic location: 14q32.31.
Variant type: single nucleotide variant.
Coding change: c.4393C>T on transcript NM_001376.5 (MANE Select); coding-DNA position 4393, C replaced by T.
Protein change: p.Gln1465Ter; replaces glutamine 1465 with a stop codon.
Molecular consequence: nonsense.
Genome position (GRCh38, 1-based): chr14:102,001,352, C>T. VCF-style: chr14-102001352-C-T. GRCh37 (hg19) VCF-style: chr14-102467689-C-T.
Other names: short protein forms Q1465*.
Identifiers: ClinVar variation 1329706 (VCV001329706.2), dbSNP rs2141286002, ClinGen allele CA391042188.
Genomic context (GRCh38, chr14:102,001,352, plus strand): 5'-ATTGTCAAGGATGTACTGCTTGTGGCACAAGGGGAGATGGCTTTGGAAGAATTTTTGAAG[C>T]AGGCGAGTAATAGGACTGAACGGCTGCTTTACGTTGTGTTTCGGGCTGTTACATAGATCT-3'